The following is an entry in ClinVar:

NM_007294.4(BRCA1):c.5374G>A (p.Val1792Met)

Gene: BRCA1 (BRCA1 DNA repair associated; minus strand). Cytogenetic location: 17q21.31.
Variant type: single nucleotide variant.
Coding change: c.5374G>A on transcript NM_007294.4 (MANE Select); coding-DNA position 5374, G replaced by A.
Protein change: p.Val1792Met; replaces valine 1792 with methionine.
Molecular consequence: missense variant. On other transcripts: non-coding transcript variant (1), intron variant (1).
Genome position (GRCh38, 1-based): chr17:43,049,153, C>T on the plus strand (G>A on the coding strand, the complement: BRCA1 is on the minus strand). VCF-style: chr17-43049153-C-T. GRCh37 (hg19) VCF-style: chr17-41201170-C-T.
Other names: c.5038G>A, p.Val1680Met (NM_001407954.1, NM_001407955.1, NM_001407950.1 and 3 more transcripts); c.5035G>A, p.Val1679Met (NM_001407956.1, NM_001407957.1, NM_001407958.1); c.2770G>A, p.Val924Met (NM_001407968.1); c.2767G>A, p.Val923Met (NM_001407969.1); c.2131G>A, p.Val711Met (NM_001407970.1, NM_001407971.1); c.2128G>A, p.Val710Met (NM_001407972.1); c.2065G>A, p.Val689Met (NM_001407973.1, NM_001407974.1, NM_001407975.1 and 3 more transcripts); c.2062G>A, p.Val688Met (NM_001407990.1, NM_001407991.1, NM_001407992.1 and 11 more transcripts); and 73 more; short protein forms V1792M, V1745M, V1813M, V688M, V1722M, V1723M, V1725M, V1789M.
Identifiers: ClinVar variation 581900 (VCV000581900.18), dbSNP rs1555575131, ClinGen allele CA10590725.

ClinVar aggregate classification (germline): Conflicting classifications of pathogenicity. Review status: criteria provided, conflicting classifications (1 of 4 stars). 5 submissions from 5 submitters: Uncertain significance (4); Likely benign (1). Last evaluated 2025-12-17.

Conditions:
Hereditary cancer-predisposing syndrome. Also called: Tumor predisposition; Neoplastic Syndromes, Hereditary; Hereditary Cancer Syndrome; Hereditary neoplastic syndrome. Identifiers: Orphanet 140162, MedGen C0027672, MeSH D009386, MONDO:0015356.
Breast-ovarian cancer, familial, susceptibility to, 1 (BROVCA1). Also called: BRCA1 Hereditary Breast and Ovarian Cancer; OVARIAN CANCER, SUSCEPTIBILITY TO. Identifiers: Orphanet 145, MedGen C2676676, MONDO:0011450, OMIM 604370. Disease mechanism: loss of function.
Hereditary breast ovarian cancer syndrome. Also called: Hereditary breast and ovarian cancer; Hereditary breast and ovarian cancer syndrome; Hereditary breast and ovarian cancer syndrome (HBOC); Breast and ovarian cancer; BRCA1- and BRCA2-Associated Hereditary Breast and Ovarian Cancer; Hereditary breast and/or ovarian cancer syndrome. Identifiers: Orphanet 145, MedGen C0677776, MeSH D061325, MONDO:0003582. Disease mechanism: loss of function.

Allele frequency attached by ClinVar (database versions not stated): gnomAD exomes below 0.00001.
gnomAD v4.1: 1 of 1,614,156 alleles (0.000062%); no homozygotes.

Submissions (6):

Ambry Genetics
Classification: Uncertain significance for Hereditary cancer-predisposing syndrome. Last evaluated: 2025-12-17. Review status: criteria provided, single submitter. Criteria: Ambry Variant Classification Scheme 2023. Collection method: clinical testing. Allele origin: germline.
Comment: The p.V1792M variant (also known as c.5374G>A), located in coding exon 20 of the BRCA1 gene, results from a G to A substitution at nucleotide position 5374. The valine at codon 1792 is replaced by methionine, an amino acid with highly similar properties. One functional study found that this nucleotide substitution is functional in a high throughput genome editing haploid cell survival assay (Findlay GM et al. Nature, 2018 Oct;562:217-222). This amino acid position is highly conserved in available vertebrate species. In addition, this alteration is predicted to be deleterious by in silico analysis. Based on the available evidence, the clinical significance of this variant remains unclear.

Lupski Lab, Baylor-Hopkins CMG, Baylor College of Medicine
Classification: Likely benign for Breast-ovarian cancer, familial, susceptibility to, 1. Last evaluated: 2024-04-12. Review status: criteria provided, single submitter. Criteria: Dawood et al. (medRxiv. 2024). Collection method: curation. Allele origin: germline.
Comment: Each variant was annotated with functional scores from MAVE data which was translated into functional evidence codes. All other evidence codes and combining criteria were adhered to as closely as possible based on the ClinGen VCEP (Variant Curation Expert Panel) gene-specific recommendations. See Supplemental Figure 34 of final paper (Supp Fig. 28 in preprint: doi:10.1101/2024.04.11.24305690) for a table to see which lines of evidence we did not have data for. The ClinGen VCEPs are highly regarded as the gold-standard for gene-specific variant curation and are developed after extensive evaluation of the evidence by clinical and scientific experts for the particular gene to classify genomic variants on a spectrum from pathogenic to benign using the 2015 ACMG/AMP Variant Interpretation Guidelines as a backbone (PMID: 25741868). Reclassification of these VUS variants from gnomAD or All of Us focused only on variants originally prescribed as VUS in ClinVar. To ensure reproducibility, transparency, and increased throughput, all the procedures for annotating variants and assigning evidence codes were codified using Python. All code has been made freely available and is linked in the Code Availability section and all reclassified variants with evidence codes used can be found in Tables S18-19 (preprint: doi:10.1101/2024.04.11.24305690). For the MAVE data, the clinical curation and clinical strength assignment as per the ClinGen recommendations in Brnich et al. (2020) (PMID: 31892348) for or against pathogenicity or benignity of each of these MAVE datasets utilized in this study were previously published in Fayer et al. (2021) (PMID: 34793697).In brief, for BRCA1 variants, if a variant was categorized as FUNC (functional), it was assigned BS3 evidence and no PS3 evidence, whereas if it was categorized as LOF (loss of function), the variant was assigned PS3 evidence and no BS3 evidence. Variants categorized as INT (intermediate) were left unannotated. For the BRCA1 combining criteria, greater than or equal to 1 criteria of strong benign evidence was enough to reclassify the VUS as Likely Benign. This variant GRCh38:17:43049153:C>T was assigned evidence codes ['BS3'] and an overall classification of Likely benign

GeneDx
Classification: Uncertain significance. Last evaluated: 2021-03-08. Review status: criteria provided, single submitter. Criteria: GeneDx Variant Classification Process June 2021. Collection method: clinical testing. Allele origin: germline. Affected: yes.
Comment: Published functional studies demonstrate no damaging effect: variant classified as functional based on a saturation genome editing (SGE) assay measuring cell survival (Findlay 2018); In silico analysis supports that this missense variant does not alter protein structure/function; Not observed in large population cohorts (Lek 2016); Also known as 5493G>A; This variant is associated with the following publications: (PMID: 30209399)

Labcorp Genetics (formerly Invitae), Labcorp
Classification: Uncertain significance for Hereditary breast ovarian cancer syndrome. Last evaluated: 2018-01-29. Review status: criteria provided, single submitter. Criteria: Invitae Variant Classification Sherloc (09022015). Collection method: clinical testing. Allele origin: germline.
Comment: In summary, the available evidence is currently insufficient to determine the role of this variant in disease. Therefore, it has been classified as a Variant of Uncertain Significance. Algorithms developed to predict the effect of missense changes on protein structure and function do not agree on the potential impact of this missense change (SIFT: "Deleterious"; PolyPhen-2: "Possibly Damaging"; Align-GVGD: "Class C15"). This variant has not been reported in the literature in individuals with BRCA1-related disease. This variant is not present in population databases (ExAC no frequency). This sequence change replaces valine with methionine at codon 1792 of the BRCA1 protein (p.Val1792Met). The valine residue is highly conserved and there is a small physicochemical difference between valine and methionine.

Illumina Laboratory Services, Illumina
Classification: Uncertain significance for Breast-ovarian cancer, familial, susceptibility to, 1. Last evaluated: 2017-04-28. Review status: criteria provided, single submitter. Criteria: ICSL Variant Classification Criteria 13 December 2019. Collection method: clinical testing. Allele origin: germline.

Brotman Baty Institute, University of Washington
No classification provided (evidence only). Condition: Breast-ovarian cancer, familial 1. Review status: no classification provided. Collection method: in vitro. Allele origin: not applicable. Functional consequence: functionally_normal. Not counted in ClinVar's aggregate classification.
ClinVar note: "not provided" was previously submitted as the classification for the variant. However, the classification appeared to be based only on an observation of functional data so it was converted to no classification on 2025-07-30.

Literature cited by the submitters: PubMed 30209399 (cited by Ambry Genetics); PubMed 39142283 (cited by Lupski Lab, Baylor-Hopkins CMG, Baylor College of Medicine); PubMed 34793697 (cited by Lupski Lab, Baylor-Hopkins CMG, Baylor College of Medicine); DOI 10.1101/2024.04.11.24305690 (cited by Lupski Lab, Baylor-Hopkins CMG, Baylor College of Medicine).